The following is an entry in ClinVar:

ClinVar aggregate classification (germline): Uncertain significance (1 of 4 stars; one submission).

Conditions:
Hereditary cancer-predisposing syndrome. Also called: Neoplastic Syndromes, Hereditary; Tumor predisposition; Hereditary Cancer Syndrome; Hereditary neoplastic syndrome. Identifiers: Orphanet 140162, MedGen C0027672, MeSH D009386, MONDO:0015356.

Submission:

Ambry Genetics
Classification: Uncertain significance for Hereditary cancer-predisposing syndrome. Last evaluated: 2021-06-24. Review status: criteria provided, single submitter. Criteria: Ambry Variant Classification Scheme 2023. Collection method: clinical testing. Allele origin: germline.
Comment: The p.T275I variant (also known as c.824C>T), located in coding exon 7 of the BMPR1A gene, results from a C to T substitution at nucleotide position 824. The threonine at codon 275 is replaced by isoleucine, an amino acid with similar properties. This amino acid position is highly conserved in available vertebrate species. In addition, this alteration is predicted to be deleterious by in silico analysis. Since supporting evidence is limited at this time, the clinical significance of this alteration remains unclear.

NM_004329.3(BMPR1A):c.824C>T (p.Thr275Ile)

Gene: BMPR1A (bone morphogenetic protein receptor type 1A; plus strand). Cytogenetic location: 10q23.2.
Variant type: single nucleotide variant.
Coding change: c.824C>T on transcript NM_004329.3 (MANE Select); coding-DNA position 824, C replaced by T.
Protein change: p.Thr275Ile; replaces threonine 275 with isoleucine.
Molecular consequence: missense variant.
Genome position (GRCh38, 1-based): chr10:86,917,282, C>T. VCF-style: chr10-86917282-C-T. GRCh37 (hg19) VCF-style: chr10-88677039-C-T.
Other names: c.899C>T, p.Thr300Ile (NM_001406559.1); c.872C>T, p.Thr291Ile (NM_001406560.1); c.824C>T, p.Thr275Ile (NM_001406561.1, NM_001406562.1, NM_001406563.1 and 19 more transcripts); c.818C>T, p.Thr273Ile (NM_001406583.1); c.740C>T, p.Thr247Ile (NM_001406584.1, NM_001406585.1, NM_001406586.1 and 2 more transcripts); c.482C>T, p.Thr161Ile (NM_001406589.1); short protein forms T161I, T275I, T291I, T273I, T300I, T247I.
Identifiers: ClinVar variation 1762621 (VCV001762621.2), dbSNP rs2539604887, ClinGen allele CA377458498.